The following is an entry in ClinVar:

ClinVar aggregate classification (germline): Likely pathogenic (1 of 4 stars; one submission).

Submission:

CeGaT Center for Human Genetics Tuebingen
Classification: Likely pathogenic. Last evaluated: 2024-10-01. Review status: criteria provided, single submitter. Criteria: CeGaT Center For Human Genetics Tuebingen Variant Classification Criteria Version 2. Collection method: clinical testing. Allele origin: germline. Affected: yes. Observed: 1 variant allele.
Comment: TAOK1: PVS1:Strong, PM2

NM_020791.4(TAOK1):c.1908+1G>A

Gene: TAOK1 (TAO kinase 1; plus strand). Cytogenetic location: 17q11.2.
Variant type: single nucleotide variant.
Coding change: c.1908+1G>A on transcript NM_020791.4 (MANE Select); the canonical splice donor site of the intron after coding-DNA position 1908, G replaced by A.
Molecular consequence: splice donor variant. On other transcripts: intron variant (1).
Genome position (GRCh38, 1-based): chr17:29,517,657, G>A. VCF-style: chr17-29517657-G-A. GRCh37 (hg19) VCF-style: chr17-27844675-G-A.
Other names: c.1704+6665G>A (NM_025142.1).
Identifiers: ClinVar variation 3389950 (VCV003389950.14).